The following is an entry in ClinVar:

ClinVar aggregate classification (germline): Uncertain significance (1 of 4 stars; one submission).

Conditions:
Bardet-Biedl syndrome 16 (BBS16). Identifiers: Orphanet 110, MedGen C3889474, MONDO:0014444, OMIM 615993.
Senior-Loken syndrome 7 (SLSN7). Identifiers: Orphanet 3156, MedGen C3150877, MONDO:0013326, OMIM 613615.

gnomAD v4.1: 2 of 1,612,106 alleles (0.00012%); highest among the groups gnomAD compares: Non-Finnish European, 0.00017%; no homozygotes.

Submission:

Labcorp Genetics (formerly Invitae), Labcorp
Classification: Uncertain significance for Bardet-Biedl syndrome 16; Senior-Loken syndrome 7. Last evaluated: 2025-08-15. Review status: criteria provided, single submitter. Criteria: Invitae Variant Classification Sherloc (09022015). Collection method: clinical testing. Allele origin: germline.
Comment: This sequence change replaces glutamine, which is neutral and polar, with arginine, which is basic and polar, at codon 704 of the SDCCAG8 protein (p.Gln704Arg). This variant is not present in population databases (gnomAD no frequency). This variant has not been reported in the literature in individuals affected with SDCCAG8-related conditions. ClinVar contains an entry for this variant (Variation ID: 3754598). An algorithm developed to predict the effect of missense changes on protein structure and function (PolyPhen-2) suggests that this variant is likely to be disruptive. Algorithms developed to predict the effect of sequence changes on RNA splicing suggest that this variant may disrupt the consensus splice site. In summary, the available evidence is currently insufficient to determine the role of this variant in disease. Therefore, it has been classified as a Variant of Uncertain Significance.

NM_006642.5(SDCCAG8):c.2111A>G (p.Gln704Arg)

Genes: AKT3 (AKT serine/threonine kinase 3; minus strand), SDCCAG8 (SHH signaling and ciliogenesis regulator SDCCAG8; plus strand). Cytogenetic location: 1q43.
Variant type: single nucleotide variant.
Coding change: c.2111A>G on transcript NM_006642.5 (MANE Select); coding-DNA position 2111, A replaced by G.
Protein change: p.Gln704Arg; replaces glutamine 704 with arginine.
Molecular consequence: missense variant. On other transcripts: intron variant (1).
Genome position (GRCh38, 1-based): chr1:243,489,139, A>G. VCF-style: chr1-243489139-A-G. GRCh37 (hg19) VCF-style: chr1-243652441-A-G.
Other names: c.1208A>G, p.Gln403Arg (NM_001350246.2, NM_001350247.2, NM_001350251.2); c.2207A>G, p.Gln736Arg (NM_001350248.2); c.1817A>G, p.Gln606Arg (NM_001350249.2); c.*7-689T>C (NM_181690.2); short protein forms Q403R, Q606R, Q704R, Q736R.
Identifiers: ClinVar variation 3754598 (VCV003754598.2).